The following is an entry in ClinVar:

ClinVar aggregate classification (germline): Uncertain significance (1 of 4 stars; one submission).

Conditions:
Cardiomyopathy (CMYO). Also called: Cardiomyopathies. Identifiers: Orphanet 167848, MedGen C0878544, MONDO:0004994, HP:0001638. Inheritance: Various modes of inheritance.

Submission:

Color Diagnostics, LLC DBA Color Health
Classification: Uncertain significance for Cardiomyopathy. Last evaluated: 2023-12-05. Review status: criteria provided, single submitter. Criteria: ACMG Guidelines, 2015. Collection method: clinical testing. Allele origin: germline.
Comment: Variant of Uncertain Significance due to insufficient evidence: This missense variant is located in the transmembrane domain of the pore-forming region of the RYR2 protein. Computational prediction tools and conservation analyses are inconclusive regarding the impact of this variant on the protein function. Computational splicing tools suggest that this variant may not impact RNA splicing. To our knowledge, functional assays have not been performed for this variant nor has this variant been reported in individuals affected with cardiovascular disorders in the literature. This variant is rare in the general population and has been identified in 0/277264 chromosomes by the Genome Aggregation Database (gnomAD). Available evidence is insufficient to determine the role of this variant in disease conclusively.

NM_001035.3(RYR2):c.12876G>T (p.Met4292Ile)

Genes: RYR2 (ryanodine receptor 2; plus strand), LOC126806068 (BRD4-independent group 4 enhancer GRCh37_chr1:237947411-237948610; plus strand). Cytogenetic location: 1q43.
Variant type: single nucleotide variant.
Coding change: c.12876G>T on transcript NM_001035.3 (MANE Select); coding-DNA position 12876, G replaced by T.
Protein change: p.Met4292Ile; replaces methionine 4292 with isoleucine.
Molecular consequence: missense variant.
Genome position (GRCh38, 1-based): chr1:237,784,588, G>T. VCF-style: chr1-237784588-G-T. GRCh37 (hg19) VCF-style: chr1-237947888-G-T.
Other names: short protein forms M4292I.
Identifiers: ClinVar variation 922806 (VCV000922806.5), dbSNP rs1434067914, ClinGen allele CA345414546.